The following is an entry in ClinVar:

NM_001355436.2(SPTB):c.3781G>A (p.Glu1261Lys)

Gene: SPTB (spectrin beta, erythrocytic; minus strand). Cytogenetic location: 14q23.3.
Variant type: single nucleotide variant.
Coding change: c.3781G>A on transcript NM_001355436.2 (MANE Select); coding-DNA position 3781, G replaced by A.
Protein change: p.Glu1261Lys; replaces glutamic acid 1261 with lysine.
Molecular consequence: missense variant.
Genome position (GRCh38, 1-based): chr14:64,785,611, C>T on the plus strand (G>A on the coding strand, the complement: SPTB is on the minus strand). VCF-style: chr14-64785611-C-T. GRCh37 (hg19) VCF-style: chr14-65252329-C-T.
Other names: NM_000347.5:c.3781G>A; c.3781G>A, p.Glu1261Lys (NM_001024858.4, NM_001355437.2); short protein forms E1261K.
Identifiers: ClinVar variation 2436414 (VCV002436414.7), dbSNP rs746933929, ClinGen allele CA7230506.

ClinVar aggregate classification (germline): Uncertain significance. Review status: criteria provided, multiple submitters, no conflicts (2 of 4 stars). 3 submissions from 3 submitters: Uncertain significance (3). Last evaluated 2024-12-20.

Conditions:
Inborn genetic diseases. Identifiers: MedGen C0950123, MeSH D030342.

Allele frequency attached by ClinVar (database versions not stated): gnomAD exomes 0.00002; TOPMed 0.00002; ExAC 0.00003.
gnomAD v4.1: 27 of 1,613,988 alleles (0.0017%); highest among the groups gnomAD compares: Admixed American, 0.022%; no homozygotes.

Submissions (3):

Revvity Omics, Revvity
Classification: Uncertain significance. Last evaluated: 2024-12-20. Review status: criteria provided, single submitter. Criteria: ACMG Guidelines, 2015. Collection method: clinical testing. Allele origin: germline.

Ambry Genetics
Classification: Uncertain significance for Inborn genetic diseases. Last evaluated: 2024-10-09. Review status: criteria provided, single submitter. Criteria: Ambry Variant Classification Scheme 2023. Collection method: clinical testing. Allele origin: germline.

Labcorp Genetics (formerly Invitae), Labcorp
Classification: Uncertain significance. Last evaluated: 2022-12-05. Review status: criteria provided, single submitter. Criteria: Invitae Variant Classification Sherloc (09022015). Collection method: clinical testing. Allele origin: germline.
Comment: In summary, the available evidence is currently insufficient to determine the role of this variant in disease. Therefore, it has been classified as a Variant of Uncertain Significance. Algorithms developed to predict the effect of missense changes on protein structure and function output the following: SIFT: "Tolerated"; PolyPhen-2: "Benign"; Align-GVGD: "Class C0". The lysine amino acid residue is found in multiple mammalian species, which suggests that this missense change does not adversely affect protein function. This variant has not been reported in the literature in individuals affected with SPTB-related conditions. This variant is present in population databases (rs746933929, gnomAD 0.03%). This sequence change replaces glutamic acid, which is acidic and polar, with lysine, which is basic and polar, at codon 1261 of the SPTB protein (p.Glu1261Lys).